The following is an entry in ClinVar:

ClinVar aggregate classification (germline): Likely benign. Review status: criteria provided, multiple submitters, no conflicts (2 of 4 stars). 2 submissions from 2 submitters: Likely benign (2). Last evaluated 2024-10-30.

Conditions:
Familial cancer of breast. Also called: BREAST CANCER, FAMILIAL; hereditary breast carcinoma; Hereditary breast cancer. Identifiers: Orphanet 227535, MedGen C0346153, MONDO:0016419, OMIM 114480. Disease mechanism: loss of function.

Allele frequency attached by ClinVar (database versions not stated): ExAC 0.00001.
gnomAD v4.1: 1 of 1,598,802 alleles (0.000063%); highest among the groups gnomAD compares: East Asian, 0.0022%; no homozygotes.

Submissions (2):

Labcorp Genetics (formerly Invitae), Labcorp
Classification: Likely benign for Familial cancer of breast. Last evaluated: 2024-10-30. Review status: criteria provided, single submitter. Criteria: Invitae Variant Classification Sherloc (09022015). Collection method: clinical testing. Allele origin: germline.

Myriad Genetics, Inc.
Classification: Likely benign for Familial cancer of breast. Last evaluated: 2024-07-24. Review status: criteria provided, single submitter. Criteria: Myriad Autosomal Dominant, Autosomal Recessive and X-Linked Classification Criteria (2023). Collection method: clinical testing. Allele origin: unknown.
Comment: This variant is considered likely benign. This variant is intronic and is not expected to impact mRNA splicing.

NM_000465.4(BARD1):c.1315-14G>A

Gene: BARD1 (BRCA1 associated RING domain 1; minus strand). Cytogenetic location: 2q35.
Variant type: single nucleotide variant.
Coding change: c.1315-14G>A on transcript NM_000465.4 (MANE Select); 14 bases into the intron before coding-DNA position 1315, G replaced by A.
Molecular consequence: intron variant.
Genome position (GRCh38, 1-based): chr2:214,769,326, C>T on the plus strand (G>A on the coding strand, the complement: BARD1 is on the minus strand). VCF-style: chr2-214769326-C-T. GRCh37 (hg19) VCF-style: chr2-215634050-C-T.
Other names: c.159-16771G>A (NM_001282548.2); c.1258-14G>A (NM_001282543.2); c.216-16771G>A (NM_001282545.2); c.364+22971G>A (NM_001282549.2).
Identifiers: ClinVar variation 1528424 (VCV001528424.10), dbSNP rs754486162, ClinGen allele CA2090289.